The following is an entry in ClinVar:

NM_000083.3(CLCN1):c.2675C>A (p.Ser892Ter)

Gene: CLCN1 (chloride voltage-gated channel 1; plus strand). Cytogenetic location: 7q34.
Variant type: single nucleotide variant.
Coding change: c.2675C>A on transcript NM_000083.3 (MANE Select); coding-DNA position 2675, C replaced by A.
Protein change: p.Ser892Ter; replaces serine 892 with a stop codon.
Molecular consequence: nonsense. On other transcripts: non-coding transcript variant (1).
Genome position (GRCh38, 1-based): chr7:143,351,673, C>A. VCF-style: chr7-143351673-C-A. GRCh37 (hg19) VCF-style: chr7-143048766-C-A.
Other names: short protein forms S892*.
Identifiers: ClinVar variation 2948328 (VCV002948328.3), dbSNP rs1291473151, ClinGen allele CA369653585.

ClinVar aggregate classification (germline): Pathogenic (1 of 4 stars; one submission).

Conditions:
Congenital myotonia, autosomal dominant form (THD). Also called: THOMSEN DISEASE; Myotonia congenita autosomal dominant. Identifiers: Orphanet 614, MedGen C2936781, MONDO:0008055, OMIM 160800.
Congenital myotonia, autosomal recessive form. Also called: BECKER DISEASE; Becker Generalized Myotonia; myotonia congenita, autosomal recessive. Identifiers: Orphanet 614, MedGen C0751360, MONDO:0009715, OMIM 255700.

gnomAD v4.1: 2 of 1,614,190 alleles (0.00012%); highest among the groups gnomAD compares: South Asian, 0.0022%; no homozygotes.

Submission:

Labcorp Genetics (formerly Invitae), Labcorp
Classification: Pathogenic for Congenital myotonia, autosomal recessive form; Congenital myotonia, autosomal dominant form. Last evaluated: 2023-05-28. Review status: criteria provided, single submitter. Criteria: Invitae Variant Classification Sherloc (09022015). Collection method: clinical testing. Allele origin: germline.
Comment: This variant is not present in population databases (gnomAD no frequency). For these reasons, this variant has been classified as Pathogenic. This variant disrupts a region of the CLCN1 protein in which other variant(s) (p.Gly945Argfs*39) have been determined to be pathogenic (PMID: 18337100; Invitae). This suggests that this is a clinically significant region of the protein, and that variants that disrupt it are likely to be disease-causing. This variant has not been reported in the literature in individuals affected with CLCN1-related conditions. This sequence change creates a premature translational stop signal (p.Ser892*) in the CLCN1 gene. While this is not anticipated to result in nonsense mediated decay, it is expected to disrupt the last 97 amino acid(s) of the CLCN1 protein.

Literature cited by the submitters: PubMed 18337100.